The following is an entry in ClinVar:

ClinVar aggregate classification (germline): Conflicting classifications of pathogenicity. Review status: criteria provided, conflicting classifications (1 of 4 stars). 4 submissions from 4 submitters: Uncertain significance (3); Likely benign (1). Last evaluated 2026-03-03.

Conditions:
Myopathy, myofibrillar, 9, with early respiratory failure (MFM9). Also called: EDSTROM MYOPATHY; MYOPATHY, PROXIMAL, WITH EARLY RESPIRATORY MUSCLE INVOLVEMENT; Myopathy, distal, with early respiratory failure, autosomal dominant; Hereditary myopathy with early respiratory failure. Identifiers: Orphanet 178464, Orphanet 34521, MedGen C1863599, MONDO:0011362, OMIM 603689.
Hypertrophic cardiomyopathy 9. Also called: Familial hypertrophic cardiomyopathy 9. Identifiers: MedGen C1861065, MONDO:0013412, OMIM 613765.
Dilated cardiomyopathy 1G (CMD1G). Identifiers: Orphanet 154, MedGen C1858763, MONDO:0011400, OMIM 604145.
Tibial muscular dystrophy (TMD). Also called: Udd Distal Myopathy – Tibial Muscular Dystrophy; UDD MYOPATHY; Tibial muscular dystrophy, tardive. Identifiers: Orphanet 609, MedGen C1838244, MONDO:0010870, OMIM 600334.
Autosomal recessive limb-girdle muscular dystrophy type 2J (LGMDR10). Also called: MUSCULAR DYSTROPHY, LIMB-GIRDLE, AUTOSOMAL RECESSIVE 10; Limb-girdle muscular dystrophy, type 2J. Identifiers: Orphanet 140922, MedGen C1837342, MONDO:0012127, OMIM 608807.
Early-onset myopathy with fatal cardiomyopathy (CMYO5). Also called: CONGENITAL MYOPATHY 5 WITH CARDIOMYOPATHY; Salih Myopathy. Identifiers: Orphanet 289377, MedGen C2673677, MONDO:0012714, OMIM 611705. Disease mechanism: loss of function.
TTN-related disorder. Also called: TTN-related condition; TTN-related disease; TTN-related disorders.

Allele frequency attached by ClinVar (database versions not stated): gnomAD 0.00002; ESP Exome Variant Server 0.00008.
gnomAD v4.1: 11 of 1,601,862 alleles (0.00069%); highest among the groups gnomAD compares: African/African-American, 0.0014%; no homozygotes.

Submissions (4):

PreventionGenetics, part of Exact Sciences
Classification: Uncertain significance for TTN-related condition. Last evaluated: 2026-03-03. Review status: criteria provided, single submitter. Criteria: ACMG Guidelines, 2015. Collection method: clinical testing. Allele origin: germline.
Comment: The TTN c.34925C>T variant is predicted to result in the amino acid substitution p.Ala11642Val. To our knowledge, this variant has not been reported in the literature. This variant is reported in 0.00092% of alleles in individuals of European (Non-Finnish) descent in gnomAD. At this time, the clinical significance of this variant is uncertain due to the absence of conclusive functional and genetic evidence.

CeGaT Center for Human Genetics Tuebingen
Classification: Likely benign. Last evaluated: 2023-03-01. Review status: criteria provided, single submitter. Criteria: CeGaT Center For Human Genetics Tuebingen Variant Classification Criteria Version 2. Collection method: clinical testing. Allele origin: germline. Affected: yes. Observed: 1 variant allele.
Comment: TTN: BP4

Women's Health and Genetics/Laboratory Corporation of America, LabCorp
Classification: Uncertain significance. Last evaluated: 2022-05-17. Review status: criteria provided, single submitter. Criteria: LabCorp Variant Classification Summary - May 2015. Collection method: clinical testing. Allele origin: germline.
Comment: Variant summary: TTN c.31022C>T (p.Ala10341Val) results in a non-conservative amino acid change located in the I-band domain of the encoded protein sequence. Four of five in-silico tools predict a benign effect of the variant on protein function. The variant allele was found at a frequency of 4.2e-06 in 237610 control chromosomes (gnomAD). The available data on variant occurrences in the general population are insufficient to allow any conclusion about variant significance. To our knowledge, no occurrence of c.31022C>T in individuals affected with Dilated Cardiomyopathy and no experimental evidence demonstrating its impact on protein function have been reported. No clinical diagnostic laboratories have submitted clinical-significance assessments for this variant to ClinVar after 2014. Based on the evidence outlined above, the variant was classified as uncertain significance.

Fulgent Genetics
Classification: Uncertain significance for Tibial muscular dystrophy; Myopathy, myofibrillar, 9, with early respiratory failure; Dilated cardiomyopathy 1G; Autosomal recessive limb-girdle muscular dystrophy type 2J; Early-onset myopathy with fatal cardiomyopathy; Hypertrophic cardiomyopathy 9. Last evaluated: 2021-09-01. Review status: criteria provided, single submitter. Criteria: ACMG Guidelines, 2015. Collection method: clinical testing. Allele origin: unknown.

NM_001267550.2(TTN):c.34925C>T (p.Ala11642Val)

Gene: TTN (titin; minus strand). Cytogenetic location: 2q31.2.
Variant type: single nucleotide variant.
Coding change: c.34925C>T on transcript NM_001267550.2 (MANE Select); coding-DNA position 34925, C replaced by T.
Protein change: p.Ala11642Val; replaces alanine 11642 with valine.
Molecular consequence: missense variant. On other transcripts: intron variant (3).
Genome position (GRCh38, 1-based): chr2:178,672,412, G>A on the plus strand (C>T on the coding strand, the complement: TTN is on the minus strand). VCF-style: chr2-178672412-G-A. GRCh37 (hg19) VCF-style: chr2-179537139-G-A.
Other names: c.33803C>T, p.Ala11268Val (NM_001256850.1); c.31022C>T, p.Ala10341Val (NM_133378.4); c.13283-30095C>T (NM_003319.4); c.13859-30095C>T (NM_133437.4); c.13658-30095C>T (NM_133432.3); short protein forms A10341V, A11268V, A11642V.
Identifiers: ClinVar variation 1696007 (VCV001696007.27), dbSNP rs375391365, ClinGen allele CA60978991.